The following is an entry in ClinVar:

NM_198488.5(FAM83H):c.3272C>T (p.Ser1091Leu)

Gene: FAM83H (family with sequence similarity 83 member H; minus strand). Cytogenetic location: 8q24.3.
Variant type: single nucleotide variant.
Coding change: c.3272C>T on transcript NM_198488.5 (MANE Select); coding-DNA position 3272, C replaced by T.
Protein change: p.Ser1091Leu; replaces serine 1091 with leucine.
Molecular consequence: missense variant.
Genome position (GRCh38, 1-based): chr8:143,726,189, G>A on the plus strand (C>T on the coding strand, the complement: FAM83H is on the minus strand). VCF-style: chr8-143726189-G-A. GRCh37 (hg19) VCF-style: chr8-144808359-G-A.
Other names: short protein forms S1091L.
Identifiers: ClinVar variation 2580470 (VCV002580470.1), dbSNP rs782756479, ClinGen allele CA4917012.

ClinVar aggregate classification (germline): Uncertain significance (1 of 4 stars; one submission).

Allele frequency attached by ClinVar (database versions not stated): gnomAD exomes 0.00002; gnomAD 0.00003; TOPMed 0.00004; ExAC 0.00014.
gnomAD v4.1: 32 of 1,612,256 alleles (0.002%); highest among the groups gnomAD compares: Admixed American, 0.043%; no homozygotes.

Submission:

GeneDx
Classification: Uncertain significance. Last evaluated: 2023-03-25. Review status: criteria provided, single submitter. Criteria: GeneDx Variant Classification Process June 2021. Collection method: clinical testing. Allele origin: germline. Affected: yes.
Comment: In silico analysis supports that this missense variant has a deleterious effect on protein structure/function; Has not been previously published as pathogenic or benign to our knowledge